The following is an entry in ClinVar:

NM_153240.5(NPHP3):c.2913G>T (p.Glu971Asp)

Genes: NPHP3 (nephrocystin 3; minus strand), NPHP3-ACAD11 (NPHP3-ACAD11 readthrough (NMD candidate); minus strand). Cytogenetic location: 3q22.1.
Variant type: single nucleotide variant.
Coding change: c.2913G>T on transcript NM_153240.5 (MANE Select); coding-DNA position 2913, G replaced by T.
Protein change: p.Glu971Asp; replaces glutamic acid 971 with aspartic acid.
Molecular consequence: missense variant. On other transcripts: non-coding transcript variant (1).
Genome position (GRCh38, 1-based): chr3:132,688,862, C>A on the plus strand (G>T on the coding strand, the complement: NPHP3 is on the minus strand). VCF-style: chr3-132688862-C-A. GRCh37 (hg19) VCF-style: chr3-132407706-C-A.
Other names: short protein forms E971D.
Identifiers: ClinVar variation 2057458 (VCV002057458.1), dbSNP rs139196419, ClinGen allele CA2621878.

ClinVar aggregate classification (germline): Uncertain significance (1 of 4 stars; one submission).

Conditions:
Nephronophthisis. Also called: Juvenile Nephronophthisis. Identifiers: Orphanet 655, MedGen C0687120, MONDO:0019005, HP:0000090.

Allele frequency attached by ClinVar (database versions not stated): ExAC 0.00001; gnomAD 0.00002; ESP Exome Variant Server 0.00008.
gnomAD v4.1: 3 of 1,613,940 alleles (0.00019%); highest among the groups gnomAD compares: African/African-American, 0.004%; no homozygotes.

Submission:

Labcorp Genetics (formerly Invitae), Labcorp
Classification: Uncertain significance for Nephronophthisis. Last evaluated: 2022-02-01. Review status: criteria provided, single submitter. Criteria: Invitae Variant Classification Sherloc (09022015). Collection method: clinical testing. Allele origin: germline.
Comment: This sequence change replaces glutamic acid, which is acidic and polar, with aspartic acid, which is acidic and polar, at codon 971 of the NPHP3 protein (p.Glu971Asp). This variant is not present in population databases (gnomAD no frequency). This variant has not been reported in the literature in individuals affected with NPHP3-related conditions. Algorithms developed to predict the effect of missense changes on protein structure and function are either unavailable or do not agree on the potential impact of this missense change (SIFT: "Deleterious"; PolyPhen-2: "Probably Damaging"; Align-GVGD: "Class C15"). In summary, the available evidence is currently insufficient to determine the role of this variant in disease. Therefore, it has been classified as a Variant of Uncertain Significance.